The following is an entry in ClinVar:

NM_001308142.2(MRTFB):c.271G>C (p.Ala91Pro)

Gene: MRTFB (myocardin related transcription factor B; plus strand). Cytogenetic location: 16p13.12.
Variant type: single nucleotide variant.
Coding change: c.271G>C on transcript NM_001308142.2 (MANE Select); coding-DNA position 271, G replaced by C.
Protein change: p.Ala91Pro; replaces alanine 91 with proline.
Molecular consequence: missense variant.
Genome position (GRCh38, 1-based): chr16:14,212,404, G>C. VCF-style: chr16-14212404-G-C. GRCh37 (hg19) VCF-style: chr16-14306261-G-C.
Other names: p.A91P; c.238G>C, p.Ala80Pro (NM_001365411.2, NM_001365415.2); c.271G>C, p.Ala91Pro (NM_001365412.2, NM_014048.4); c.58G>C, p.Ala20Pro (NM_001365413.2, NM_001365414.2, NM_001365416.2); short protein forms A20P, A80P, A91P.
Identifiers: ClinVar variation 1723884 (VCV001723884.5), dbSNP rs2544853698, ClinGen allele CA394808238.

ClinVar aggregate classification (germline): Pathogenic. Review status: criteria provided, single submitter (1 of 4 stars). 2 submissions from 2 submitters: Pathogenic (1). 1 of the submissions does not count toward it. Last evaluated 2024-07-03.

Conditions:
MRTFB-related disorder. Also called: MRTFB related condition; MRTFB-Related Disorders.

Submissions (2):

Undiagnosed Diseases Network, NIH
Classification: Pathogenic for MRTFB-related condition. Last evaluated: 2024-07-03. Review status: criteria provided, single submitter. Criteria: ACMG Guidelines, 2015. Collection method: clinical testing. Allele origin: de novo. Affected: yes. Observed: 1 heterozygote. Study: Undiagnosed Diseases Network (NIH), UDN.

Wangler Lab, Baylor College of Medicine
Classification: Pathogenic for MRTFB-Related Disorders. Review status: no assertion criteria provided. Collection method: research. Allele origin: de novo, not applicable. Inheritance: Autosomal dominant inheritance. Affected: yes. Observed: 1 heterozygote. Not counted in ClinVar's aggregate classification.
Comment: This missense variant at (NM_014048.4): c.271G>C results in p.Arg91Pro which is a significant physiochemical change. It has a CADD score of 28.9. In silico models indicate damaging and deleterious predictions. Functional studies in Drosophila performed in the Wangler Lab indicate a gain of function effect (Andrews et al. 2022, see experimental observations for more info). We determine this variant to be pathogenic.